The following is an entry in ClinVar:

NM_001375380.1(EBF3):c.221T>A (p.Leu74His)

Gene: EBF3 (EBF transcription factor 3; minus strand). Cytogenetic location: 10q26.3.
Variant type: single nucleotide variant.
Coding change: c.221T>A on transcript NM_001375380.1 (MANE Select); coding-DNA position 221, T replaced by A.
Protein change: p.Leu74His; replaces leucine 74 with histidine.
Molecular consequence: missense variant.
Genome position (GRCh38, 1-based): chr10:129,963,437, A>T on the plus strand (T>A on the coding strand, the complement: EBF3 is on the minus strand). VCF-style: chr10-129963437-A-T. GRCh37 (hg19) VCF-style: chr10-131761701-A-T.
Other names: c.221T>A, p.Leu74His (NM_001005463.3, NM_001375379.1, NM_001375389.1 and 3 more transcripts); short protein forms L74H.
Identifiers: ClinVar variation 3573679 (VCV003573679.1).
Genomic context (GRCh38, chr10:129,963,437, plus strand): 5'-TCCACAAAGTCCACAAAAGCGGTCCTTTCAATCTCCACCGGCTGCCCCTGCCTATCGTAG[A>T]GCGCCAGCACGAAGTGGAAGAAATTGGATTTCCGGAGGTTGGAAGGCGGCTGCTTCTCGA-3'
Protein context (NP_001362309.1, residues 64-84): KSNFFHFVLA[Leu74His]YDRQGQPVEI

ClinVar aggregate classification (germline): Uncertain significance (1 of 4 stars; one submission).

Submission:

GeneDx
Classification: Uncertain significance. Last evaluated: 2024-07-14. Review status: criteria provided, single submitter. Criteria: GeneDx Variant Classification Process June 2021. Collection method: clinical testing. Allele origin: germline. Affected: yes.
Comment: Not observed at significant frequency in large population cohorts (gnomAD); In silico analysis supports that this missense variant has a deleterious effect on protein structure/function; Has not been previously published as pathogenic or benign to our knowledge